The following is an entry in ClinVar:

NM_003823.4(TNFRSF6B):c.370G>A (p.Gly124Ser)

Genes: RTEL1-TNFRSF6B (RTEL1-TNFRSF6B readthrough (NMD candidate); plus strand), TNFRSF6B (TNF receptor superfamily member 6b; plus strand). Cytogenetic location: 20q13.33.
Variant type: single nucleotide variant.
Coding change: c.370G>A on transcript NM_003823.4 (MANE Select); coding-DNA position 370, G replaced by A.
Protein change: p.Gly124Ser; replaces glycine 124 with serine.
Molecular consequence: missense variant. On other transcripts: non-coding transcript variant (1).
Genome position (GRCh38, 1-based): chr20:63,697,137, G>A. VCF-style: chr20-63697137-G-A. GRCh37 (hg19) VCF-style: chr20-62328490-G-A.
Other names: short protein forms G124S.
Identifiers: ClinVar variation 1366419 (VCV001366419.8), dbSNP rs767622466, ClinGen allele CA9966428.

ClinVar aggregate classification (germline): Uncertain significance (1 of 4 stars; one submission).

Allele frequency attached by ClinVar (database versions not stated): gnomAD 0.00002; gnomAD exomes 0.00002; TOPMed 0.00004.

Submission:

Labcorp Genetics (formerly Invitae), Labcorp
Classification: Uncertain significance. Last evaluated: 2025-09-02. Review status: criteria provided, single submitter. Criteria: Invitae Variant Classification Sherloc (09022015). Collection method: clinical testing. Allele origin: germline.
Comment: This sequence change replaces glycine, which is neutral and non-polar, with serine, which is neutral and polar, at codon 124 of the TNFRSF6B protein (p.Gly124Ser). This variant is present in population databases (rs767622466, gnomAD 0.02%). This variant has not been reported in the literature in individuals affected with TNFRSF6B-related conditions. ClinVar contains an entry for this variant (Variation ID: 1366419). An algorithm developed to predict the effect of missense changes on protein structure and function outputs the following: PolyPhen-2: "Benign". The serine amino acid residue is found in multiple mammalian species, which suggests that this missense change does not adversely affect protein function. In summary, the available evidence is currently insufficient to determine the role of this variant in disease. Therefore, it has been classified as a Variant of Uncertain Significance.